The following is an entry in ClinVar:

NM_153704.6(TMEM67):c.1033A>T (p.Lys345Ter)

Gene: TMEM67 (transmembrane protein 67; plus strand). Cytogenetic location: 8q22.1.
Variant type: single nucleotide variant.
Coding change: c.1033A>T on transcript NM_153704.6 (MANE Select); coding-DNA position 1033, A replaced by T.
Protein change: p.Lys345Ter; replaces lysine 345 with a stop codon.
Molecular consequence: nonsense. On other transcripts: non-coding transcript variant (1).
Genome position (GRCh38, 1-based): chr8:93,781,712, A>T. VCF-style: chr8-93781712-A-T. GRCh37 (hg19) VCF-style: chr8-94793940-A-T.
Other names: c.790A>T, p.Lys264Ter (NM_001142301.1); short protein forms K264*, K345*.
Identifiers: ClinVar variation 5019988 (VCV005019988.1).
Genomic context (GRCh38, chr8:93,781,712, plus strand): 5'-AATCAGAATACAAAACTGAAGTTTGTTGCTGCTTCCTATGATATAAGAGGAAATTTTCTC[A>T]AGTGGCAAACTTTAGAAGGAGGTGTTTTACAGGTAAGCATGATTCTAGTTAAAGAATTAA-3'

ClinVar aggregate classification (germline): Likely pathogenic (1 of 4 stars; one submission).

Conditions:
Meckel syndrome, type 3 (MKS3). Also called: MECKEL-GRUBER SYNDROME, TYPE 3. Identifiers: Orphanet 564, MedGen C1846357, MONDO:0011821, OMIM 607361.
Nephronophthisis 11 (NPHP11). Identifiers: Orphanet 84081, MedGen C3150796, MONDO:0013302, OMIM 613550.
Joubert syndrome 6 (JBTS6). Identifiers: Orphanet 475, MedGen C1853153, MONDO:0012539, OMIM 610688.
Bardet-Biedl syndrome 14 (BBS14). Identifiers: Orphanet 110, MedGen C2673874, MONDO:0014442, OMIM 615991.
COACH syndrome 1. Identifiers: Orphanet 1454, MedGen C5435651, MONDO:0800103, OMIM 216360, MONDO:0008996.
RHYNS syndrome. Also called: RETINITIS PIGMENTOSA SYNDROME; RETINITIS PIGMENTOSA, HYPOPITUITARISM, NEPHRONOPHTHISIS, AND MILD SKELETAL DYSPLASIA. Identifiers: Orphanet 140976, MedGen C1865794, MONDO:0011202, OMIM 602152.

Submission:

Juno Genomics, Hangzhou Juno Genomics, Inc
Classification: Likely pathogenic for RHYNS syndrome; Bardet-Biedl syndrome 14; COACH syndrome 1; Joubert syndrome 6; Meckel syndrome, type 3; Nephronophthisis 11. Review status: criteria provided, single submitter. Criteria: ACMG Guidelines, 2015. Collection method: clinical testing. Allele origin: germline. Affected: yes.
Comment: Absent from controls (or at extremely low frequency if recessive) in Genome Aggregation Database.;Null variant in a gene where loss of function (LOF) is a known mechanism of disease.